The following is an entry in ClinVar:

NM_002907.4(RECQL):c.1446T>G (p.Ser482Arg)

Gene: RECQL (RecQ like helicase; minus strand). Cytogenetic location: 12p12.1.
Variant type: single nucleotide variant.
Coding change: c.1446T>G on transcript NM_002907.4 (MANE Select); coding-DNA position 1446, T replaced by G.
Protein change: p.Ser482Arg; replaces serine 482 with arginine.
Molecular consequence: missense variant.
Genome position (GRCh38, 1-based): chr12:21,473,552, A>C on the plus strand (T>G on the coding strand, the complement: RECQL is on the minus strand). VCF-style: chr12-21473552-A-C. GRCh37 (hg19) VCF-style: chr12-21626486-A-C.
Other names: c.1446T>G, p.Ser482Arg (NM_032941.3); short protein forms S482R.
Identifiers: ClinVar variation 4576934 (VCV004576934.1).
Genomic context (GRCh38, chr12:21,473,552, plus strand): 5'-CTGTCACTAGGCATTATGACTGTATTAGCCTATAAAGGTTTACAAAACAACAAACTCACC[A>C]CTGTCTTTACAGCAGTTATCGCACATTTTGTTACATGCTTCTGAGTTCCATACTTCATCA-3'
Protein context (NP_002898.2, residues 472-492): NKMCDNCCKD[Ser482Arg]AFERKNITEY

ClinVar aggregate classification (germline): Uncertain significance (1 of 4 stars; one submission).

Submission:

Ambry Genetics
Classification: Uncertain significance. Last evaluated: 2025-12-13. Review status: criteria provided, single submitter. Criteria: Ambry Variant Classification Scheme 2023. Collection method: clinical testing. Allele origin: germline.
Comment: The p.S482R variant (also known as c.1446T>G), located in coding exon 11 of the RECQL gene, results from a T to G substitution at nucleotide position 1446. The serine at codon 482 is replaced by arginine, an amino acid with dissimilar properties. This amino acid position is conserved. In addition, this alteration is predicted to be tolerated by in silico analysis. Based on the available evidence, the clinical significance of this variant remains unclear.